The following is an entry in ClinVar:

NM_020822.3(KCNT1):c.237C>T (p.Ser79=)

Gene: KCNT1 (potassium sodium-activated channel subfamily T member 1; plus strand). Cytogenetic location: 9q34.3.
Variant type: single nucleotide variant.
Coding change: c.237C>T on transcript NM_020822.3 (MANE Select); coding-DNA position 237, C replaced by T.
Protein change: p.Ser79=; no amino-acid change (serine 79 retained).
Molecular consequence: synonymous variant. On other transcripts: intron variant (1).
Genome position (GRCh38, 1-based): chr9:135,714,703, C>T. VCF-style: chr9-135714703-C-T. GRCh37 (hg19) VCF-style: chr9-138606549-C-T.
Other names: c.110+12335C>T (NM_001272003.2).
Identifiers: ClinVar variation 386190 (VCV000386190.13), dbSNP rs749179872, ClinGen allele CA5326307.

ClinVar aggregate classification (germline): Likely benign. Review status: criteria provided, multiple submitters, no conflicts (2 of 4 stars). 4 submissions from 3 submitters: Likely benign (4). Last evaluated 2025-10-10.

Conditions:
Developmental and epileptic encephalopathy, 14 (DEE14). Also called: Early infantile epileptic encephalopathy 14. Identifiers: Orphanet 293181, MedGen C3554195, MONDO:0013989, OMIM 614959.
Autosomal dominant nocturnal frontal lobe epilepsy 5. Also called: KCNT1-Related Epilepsy; CILIARY DYSKINESIA, PRIMARY, 28, WITHOUT SITUS INVERSUS; CILIARY DYSKINESIA, PRIMARY, 28, WITH SITUS INVERSUS; Epilepsy, nocturnal frontal lobe, 5. Identifiers: Orphanet 98784, MedGen C3554306, MONDO:0014002, OMIM 615005.

Allele frequency attached by ClinVar (database versions not stated): gnomAD exomes 0.00001; ExAC 0.00002; gnomAD 0.00003; TOPMed 0.00003.
gnomAD v4.1: 7 of 1,445,656 alleles (0.00048%); highest among the groups gnomAD compares: African/African-American, 0.009%; no homozygotes.

Submissions (4):

Labcorp Genetics (formerly Invitae), Labcorp
Classification: Likely benign for Autosomal dominant nocturnal frontal lobe epilepsy 5; Developmental and epileptic encephalopathy, 14. Last evaluated: 2025-10-10. Review status: criteria provided, single submitter. Criteria: Invitae Variant Classification Sherloc (09022015). Collection method: clinical testing. Allele origin: germline.

Genome-Nilou Lab
Classification: Likely benign for Developmental and epileptic encephalopathy, 14. Last evaluated: 2022-03-15. Review status: criteria provided, single submitter. Criteria: ACMG Guidelines, 2015. Collection method: clinical testing. Allele origin: germline. Affected: no.

Genome-Nilou Lab
Classification: Likely benign for Autosomal dominant nocturnal frontal lobe epilepsy 5. Last evaluated: 2022-03-15. Review status: criteria provided, single submitter. Criteria: ACMG Guidelines, 2015. Collection method: clinical testing. Allele origin: germline. Affected: no.

GeneDx
Classification: Likely benign. Last evaluated: 2016-05-18. Review status: criteria provided, single submitter. Criteria: GeneDx Variant Classification (06012015). Collection method: clinical testing. Allele origin: germline. Affected: yes.
Comment: This variant is considered likely benign or benign based on one or more of the following criteria: it is a conservative change, it occurs at a poorly conserved position in the protein, it is predicted to be benign by multiple in silico algorithms, and/or has population frequency not consistent with disease.